The following is an entry in ClinVar:

NM_024757.5(EHMT1):c.3833CCCAGGAGG[3] (p.1278AQE[3])

Gene: EHMT1 (euchromatic histone lysine methyltransferase 1; plus strand). Cytogenetic location: 9q34.3.
Variant type: Microsatellite.
Coding change: c.3833CCCAGGAGG[3] on transcript NM_024757.5 (MANE Select); three copies in a row of the 9-base unit CCCAGGAGG starting at c.3833; the reference has two copies in a row; one copy, 9 bases duplicated.
Protein change: p.1278AQE[3].
Molecular consequence: inframe insertion.
Genome position (GRCh38, 1-based): chr9:137,834,898-137,834,906, CCCAGGAGG duplicated; duplicating any 9 consecutive bases within chr9:137,834,887-137,834,906 gives the same sequence; the position shown is the placement nearest the transcript's 3' end. VCF-style (leftmost placement, unchanged base first): chr9-137834886-C-CGGCCCAGGA. GRCh37 (hg19) VCF-style: chr9-140729338-C-CGGCCCAGGA.
Other names: c.3812CCCAGGAGG[3], p.1271AQE[3] (NM_001354263.2).
Identifiers: ClinVar variation 648730 (VCV000648730.25), dbSNP rs751283937, ClinGen allele CA5375487.

ClinVar aggregate classification (germline): Likely benign. Review status: criteria provided, multiple submitters, no conflicts (2 of 4 stars). 2 submissions from 2 submitters: Likely benign (2). Last evaluated 2025-09-23.

Conditions:
Kleefstra syndrome 1 (KLEFS1). Identifiers: Orphanet 261494, MedGen C0795833, MONDO:0027407, OMIM 610253.

Submissions (2):

Labcorp Genetics (formerly Invitae), Labcorp
Classification: Likely benign for Kleefstra syndrome 1. Last evaluated: 2025-09-23. Review status: criteria provided, single submitter. Criteria: Invitae Variant Classification Sherloc (09022015). Collection method: clinical testing. Allele origin: germline.

CeGaT Center for Human Genetics Tuebingen
Classification: Likely benign. Last evaluated: 2024-10-01. Review status: criteria provided, single submitter. Criteria: CeGaT Center For Human Genetics Tuebingen Variant Classification Criteria Version 2. Collection method: clinical testing. Allele origin: germline. Affected: yes. Observed: 1 variant allele.
Comment: EHMT1: PM4, BS1